The following is an entry in ClinVar:

ClinVar aggregate classification (germline): Uncertain significance (1 of 4 stars; one submission).

Allele frequency attached by ClinVar (database versions not stated): ExAC 0.00001; gnomAD exomes 0.00001 and 0.00002.
gnomAD v4.1: 18 of 1,612,828 alleles (0.0011%); highest among the groups gnomAD compares: Admixed American, 0.0017%; no homozygotes.

Submission:

Labcorp Genetics (formerly Invitae), Labcorp
Classification: Uncertain significance. Last evaluated: 2021-10-29. Review status: criteria provided, single submitter. Criteria: Invitae Variant Classification Sherloc (09022015). Collection method: clinical testing. Allele origin: germline.
Comment: In summary, the available evidence is currently insufficient to determine the role of this variant in disease. Therefore, it has been classified as a Variant of Uncertain Significance. Algorithms developed to predict the effect of missense changes on protein structure and function are either unavailable or do not agree on the potential impact of this missense change (SIFT: "Deleterious"; PolyPhen-2: "Probably Damaging"; Align-GVGD: "Class C15"). This variant has not been reported in the literature in individuals affected with LRRCC1-related conditions. This variant is present in population databases (rs777085889, gnomAD 0.003%). This sequence change replaces aspartic acid, which is acidic and polar, with asparagine, which is neutral and polar, at codon 198 of the LRRCC1 protein (p.Asp198Asn).

NM_033402.5(LRRCC1):c.592G>A (p.Asp198Asn)

Gene: LRRCC1 (leucine rich repeat and coiled-coil centrosomal protein 1; plus strand). Cytogenetic location: 8q21.2.
Variant type: single nucleotide variant.
Coding change: c.592G>A on transcript NM_033402.5 (MANE Select); coding-DNA position 592, G replaced by A.
Protein change: p.Asp198Asn; replaces aspartic acid 198 with asparagine.
Molecular consequence: missense variant. On other transcripts: intron variant (2).
Genome position (GRCh38, 1-based): chr8:85,115,147, G>A. VCF-style: chr8-85115147-G-A. GRCh37 (hg19) VCF-style: chr8-86027382-G-A.
Other names: c.313G>A, p.Asp105Asn (NM_001349636.2); c.166G>A, p.Asp56Asn (NM_001349637.2); c.33+2048G>A (NM_001349638.2); c.-14+2048G>A (NM_001349639.2); short protein forms D198N, D105N, D56N.
Identifiers: ClinVar variation 1524096 (VCV001524096.6), dbSNP rs777085889, ClinGen allele CA4794435.
Genomic context (GRCh38, chr8:85,115,147, plus strand): 5'-ATTTGTTTCCAAGGGTACAGAGCAGTTATTCTCCAGACTTTGCCACAGCTTAGAATCCTA[G>A]ATTGCAAGAACATATTTGGTGAACCAGTAAATTTGACAGAAATAAATTCATCACAGCTGC-3'
Protein context (NP_208325.3, residues 188-208): LQTLPQLRIL[Asp198Asn]CKNIFGEPVN